The following is an entry in ClinVar:

ClinVar aggregate classification (germline): Uncertain significance. Review status: criteria provided, multiple submitters, no conflicts (2 of 4 stars). 2 submissions from 2 submitters: Uncertain significance (2). Last evaluated 2025-12-05.

Conditions:
Epilepsy, familial focal, with variable foci 2 (FFEVF2). Identifiers: MedGen C4310709, MONDO:0014924, OMIM 617116.
NPRL2-related disorder. Also called: NPRL2-related condition.

gnomAD v4.1: 6 of 1,614,004 alleles (0.00037%); highest among the groups gnomAD compares: Admixed American, 0.0017%; no homozygotes.

Submissions (2):

Dasa
Classification: Uncertain significance for Epilepsy, familial focal, with variable foci 2. Last evaluated: 2025-12-05. Review status: criteria provided, single submitter. Criteria: DASA Assertion Criteria. Collection method: clinical testing. Allele origin: germline.
Comment: NM_006545.5(NPRL2):c.853T>C (p.Tyr285His) is a missense variant that results in the substitution of tyrosine with histidine. This variant is rare in population databases. Computational prediction algorithms are consistent with a deleterious effect. The currently available literature and clinical evidence are not sufficient to establish a definitive association between this variant and the reported condition. Therefore, this variant is classified as a variant of uncertain significance.

PreventionGenetics, part of Exact Sciences
Classification: Uncertain significance for NPRL2-related condition. Last evaluated: 2024-12-12. Review status: criteria provided, single submitter. Criteria: ACMG Guidelines, 2015. Collection method: clinical testing. Allele origin: germline.
Comment: The NPRL2 c.853T>C variant is predicted to result in the amino acid substitution p.Tyr285His. To our knowledge, this variant has not been reported in the literature. This variant is reported in 0.0% of alleles in individuals of African descent in gnomAD. At this time, the clinical significance of this variant is uncertain due to the absence of conclusive functional and genetic evidence.

NM_006545.5(NPRL2):c.853T>C (p.Tyr285His)

Gene: NPRL2 (NPR2 like, GATOR1 complex subunit; minus strand). Cytogenetic location: 3p21.31.
Variant type: single nucleotide variant.
Coding change: c.853T>C on transcript NM_006545.5 (MANE Select); coding-DNA position 853, T replaced by C.
Protein change: p.Tyr285His; replaces tyrosine 285 with histidine.
Molecular consequence: missense variant.
Genome position (GRCh38, 1-based): chr3:50,348,203, A>G on the plus strand (T>C on the coding strand, the complement: NPRL2 is on the minus strand). VCF-style: chr3-50348203-A-G. GRCh37 (hg19) VCF-style: chr3-50385634-A-G.
Other names: c.853T>C (NM_006545.4); short protein forms Y285H.
Identifiers: ClinVar variation 4882125 (VCV004882125.3).